The following is an entry in ClinVar:

NM_001042492.3(NF1):c.376G>T (p.Glu126Ter)

Gene: NF1 (neurofibromin 1; plus strand). Cytogenetic location: 17q11.2.
Variant type: single nucleotide variant.
Coding change: c.376G>T on transcript NM_001042492.3 (MANE Select); coding-DNA position 376, G replaced by T.
Protein change: p.Glu126Ter; replaces glutamic acid 126 with a stop codon.
Molecular consequence: nonsense.
Genome position (GRCh38, 1-based): chr17:31,163,273, G>T. VCF-style: chr17-31163273-G-T. GRCh37 (hg19) VCF-style: chr17-29490291-G-T.
Other names: c.376G>T, p.Glu126Ter (NM_000267.4, NM_001128147.3); short protein forms E126*.
Identifiers: ClinVar variation 1048744 (VCV001048744.4), dbSNP rs2143672030, ClinGen allele CA398981818.

ClinVar aggregate classification (germline): Pathogenic. Review status: criteria provided, multiple submitters, no conflicts (2 of 4 stars). 4 submissions from 4 submitters: Pathogenic (3). 1 of the submissions does not count toward it. Last evaluated 2025-07-15.

Conditions:
Cardiovascular phenotype. Identifiers: MedGen CN230736.
Hereditary cancer-predisposing syndrome. Also called: Hereditary Cancer Syndrome; Tumor predisposition; Hereditary neoplastic syndrome; Neoplastic Syndromes, Hereditary. Identifiers: Orphanet 140162, MedGen C0027672, MeSH D009386, MONDO:0015356.
Neurofibromatosis, type 1 (NF1). Also called: Peripheral type neurofibromatosis; Neurofibromatosis, type I; VON RECKLINGHAUSEN DISEASE; NEUROFIBROMATOSIS, TYPE I, SOMATIC. Identifiers: Orphanet 636, MedGen C0027831, MONDO:0018975, OMIM 162200. Disease mechanism: loss of function.

Submissions (4):

Ambry Genetics
Classification: Pathogenic for Cardiovascular phenotype; Hereditary cancer-predisposing syndrome. Last evaluated: 2025-07-15. Review status: criteria provided, single submitter. Criteria: Ambry Variant Classification Scheme 2023. Collection method: clinical testing. Allele origin: germline.
Comment: The p.E126* pathogenic mutation (also known as c.376G>T), located in coding exon 4 of the NF1 gene, results from a G to T substitution at nucleotide position 376. This changes the amino acid from a glutamic acid to a stop codon within coding exon 4. This variant was reported in individual(s) with features consistent with neurofibromatosis type 1 (NF1) (Wu-Chou YH et al. J Biomed Sci, 2018 Oct;25:72; Kang E et al. J Hum Genet, 2020 Jan;65:79-89). This variant is considered to be rare based on population cohorts in the Genome Aggregation Database (gnomAD). This alteration is expected to result in loss of function by premature protein truncation or nonsense-mediated mRNA decay. As such, this alteration is interpreted as a disease-causing mutation.

Labcorp Genetics (formerly Invitae), Labcorp
Classification: Pathogenic for Neurofibromatosis, type 1. Last evaluated: 2025-02-04. Review status: criteria provided, single submitter. Criteria: Invitae Variant Classification Sherloc (09022015). Collection method: clinical testing. Allele origin: germline.
Comment: This sequence change creates a premature translational stop signal (p.Glu126*) in the NF1 gene. It is expected to result in an absent or disrupted protein product. Loss-of-function variants in NF1 are known to be pathogenic (PMID: 10712197, 23913538). This variant is not present in population databases (gnomAD no frequency). This premature translational stop signal has been observed in individual(s) with neurofibromatosis type 1 (PMID: 30290804). ClinVar contains an entry for this variant (Variation ID: 1048744). For these reasons, this variant has been classified as Pathogenic.

GeneDx
Classification: Pathogenic. Last evaluated: 2024-01-12. Review status: criteria provided, single submitter. Criteria: GeneDx Variant Classification Process June 2021. Collection method: clinical testing. Allele origin: germline. Affected: yes.
Comment: Nonsense variant predicted to result in protein truncation or nonsense mediated decay in a gene for which loss of function is a known mechanism of disease; Not observed at significant frequency in large population cohorts (gnomAD); This variant is associated with the following publications: (PMID: 30290804, 31776437)

Laboratory of Medical Genetics, National & Kapodistrian University of Athens
Classification: Pathogenic for Neurofibromatosis, type 1. Last evaluated: 2019-01-01. Review status: no assertion criteria provided. Collection method: clinical testing. Allele origin: germline. Affected: yes. Not counted in ClinVar's aggregate classification.

Literature cited by the submitters: PubMed 30290804 (cited by Ambry Genetics and Labcorp Genetics (formerly Invitae), Labcorp); PubMed 31776437 (cited by Ambry Genetics); PubMed 10712197 (cited by Labcorp Genetics (formerly Invitae), Labcorp); PubMed 23913538 (cited by Labcorp Genetics (formerly Invitae), Labcorp).